The following is an entry in ClinVar:

NM_001376.5(DYNC1H1):c.12239C>G (p.Ala4080Gly)

Gene: DYNC1H1 (dynein cytoplasmic 1 heavy chain 1; plus strand). Cytogenetic location: 14q32.31.
Variant type: single nucleotide variant.
Coding change: c.12239C>G on transcript NM_001376.5 (MANE Select); coding-DNA position 12239, C replaced by G.
Protein change: p.Ala4080Gly; replaces alanine 4080 with glycine.
Molecular consequence: missense variant.
Genome position (GRCh38, 1-based): chr14:102,042,252, C>G. VCF-style: chr14-102042252-C-G. GRCh37 (hg19) VCF-style: chr14-102508589-C-G.
Other names: short protein forms A4080G.
Identifiers: ClinVar variation 4802082 (VCV004802082.1).
Genomic context (GRCh38, chr14:102,042,252, plus strand): 5'-GGCTGCCGCTGCTAACACTAAGTTTCCCTGCACCAGGCTCTGCAGAAGGCTTTAACCAAG[C>G]AGATAAGGCAATAAACACCGCTGTAAAGTCGGGCAGGTAGGCCTGTTCTCTTTGGCTGAA-3'
Protein context (NP_001367.2, residues 4070-4090): AIGSAEGFNQ[Ala4080Gly]DKAINTAVKS

ClinVar aggregate classification (germline): Uncertain significance (1 of 4 stars; one submission).

Conditions:
Charcot-Marie-Tooth disease axonal type 2O. Also called: CHARCOT-MARIE-TOOTH NEUROPATHY, AXONAL, TYPE 2O; CHARCOT-MARIE-TOOTH DISEASE, AXONAL, AUTOSOMAL DOMINANT, TYPE 2O; Charcot-Marie-Tooth Neuropathy Type 2O; Charcot-Marie-Tooth disease, axonal, type 20. Identifiers: Orphanet 284232, MedGen C3280220, MONDO:0013644, OMIM 614228.

Submission:

Labcorp Genetics (formerly Invitae), Labcorp
Classification: Uncertain significance for Charcot-Marie-Tooth disease axonal type 2O. Last evaluated: 2025-02-15. Review status: criteria provided, single submitter. Criteria: Invitae Variant Classification Sherloc (09022015). Collection method: clinical testing. Allele origin: germline.
Comment: This sequence change replaces alanine, which is neutral and non-polar, with glycine, which is neutral and non-polar, at codon 4080 of the DYNC1H1 protein (p.Ala4080Gly). This variant is not present in population databases (gnomAD no frequency). This variant has not been reported in the literature in individuals affected with DYNC1H1-related conditions. Invitae Evidence Modeling of protein sequence and biophysical properties (such as structural, functional, and spatial information, amino acid conservation, physicochemical variation, residue mobility, and thermodynamic stability) has been performed for this missense variant. However, the output from this modeling did not meet the statistical confidence thresholds required to predict the impact of this variant on DYNC1H1 protein function. In summary, the available evidence is currently insufficient to determine the role of this variant in disease. Therefore, it has been classified as a Variant of Uncertain Significance.